The following is an entry in ClinVar:

NM_007294.4(BRCA1):c.4385A>T (p.Glu1462Val)

Gene: BRCA1 (BRCA1 DNA repair associated; minus strand). Cytogenetic location: 17q21.31.
Variant type: single nucleotide variant.
Coding change: c.4385A>T on transcript NM_007294.4 (MANE Select); coding-DNA position 4385, A replaced by T.
Protein change: p.Glu1462Val; replaces glutamic acid 1462 with valine.
Molecular consequence: missense variant. On other transcripts: non-coding transcript variant (1).
Genome position (GRCh38, 1-based): chr17:43,076,587, T>A on the plus strand (A>T on the coding strand, the complement: BRCA1 is on the minus strand). VCF-style: chr17-43076587-T-A. GRCh37 (hg19) VCF-style: chr17-41228604-T-A.
Other names: c.4172A>T, p.Glu1391Val (NM_001407571.1, NM_001407894.1, NM_001407895.1 and 12 more transcripts); c.4451A>T, p.Glu1484Val (NM_001407581.1, NM_001407582.1); c.4448A>T, p.Glu1483Val (NM_001407583.1, NM_001407585.1, NM_001407587.1 and 1 more transcripts); c.4445A>T, p.Glu1482Val (NM_001407590.1, NM_001407591.1); c.4385A>T, p.Glu1462Val (NM_001407593.1, NM_001407594.1, NM_001407596.1 and 8 more transcripts); c.4382A>T, p.Glu1461Val (NM_001407610.1, NM_001407611.1, NM_001407612.1 and 17 more transcripts); c.4379A>T, p.Glu1460Val (NM_001407627.1, NM_001407628.1, NM_001407629.1 and 14 more transcripts); c.4376A>T, p.Glu1459Val (NM_001407644.1, NM_001407645.1); and 68 more; short protein forms E1462V, E1483V, E1415V, E358V, E1349V, E1351V, E1373V, E1391V.
Identifiers: ClinVar variation 824847 (VCV000824847.6), dbSNP rs1567779859, ClinGen allele CA10592767.

ClinVar aggregate classification (germline): Uncertain significance (1 of 4 stars; one submission).

Conditions:
Hereditary cancer-predisposing syndrome. Also called: Neoplastic Syndromes, Hereditary; Tumor predisposition; Hereditary neoplastic syndrome; Hereditary Cancer Syndrome. Identifiers: Orphanet 140162, MedGen C0027672, MeSH D009386, MONDO:0015356.

Submission:

Ambry Genetics
Classification: Uncertain significance for Hereditary cancer-predisposing syndrome. Last evaluated: 2025-10-23. Review status: criteria provided, single submitter. Criteria: Ambry Variant Classification Scheme 2023. Collection method: clinical testing. Allele origin: germline.
Comment: The p.E1462V variant (also known as c.4385A>T), located in coding exon 12 of the BRCA1 gene, results from an A to T substitution at nucleotide position 4385. The glutamic acid at codon 1462 is replaced by valine, an amino acid with dissimilar properties. This amino acid position is not well conserved in available vertebrate species. In addition, the in silico prediction for this alteration is inconclusive. Since supporting evidence is limited at this time, the clinical significance of this alteration remains unclear.